The following is an entry in ClinVar:

NM_177438.3(DICER1):c.408_411del (p.Glu136fs)

Gene: DICER1 (dicer 1, ribonuclease III; minus strand). Cytogenetic location: 14q32.13.
Variant type: Microsatellite.
Coding change: c.408_411del on transcript NM_177438.3 (MANE Select); coding-DNA positions 408 to 411, 4 bases deleted (GAGA; older notation c.408_411delGAGA).
Protein change: p.Glu136fs; shifts the reading frame from glutamic acid 136.
Molecular consequence: frameshift variant. On other transcripts: 5 prime UTR variant (2), non-coding transcript variant (5), intron variant (6).
Genome position (GRCh38, 1-based): chr14:95,131,536-95,131,539, TCTC deleted on the plus strand (GAGA on the coding strand, the reverse complement: DICER1 is on the minus strand); deleting any 4 consecutive bases within chr14:95,131,536-95,131,542 gives the same sequence; the c. name uses the placement nearest the transcript's 3' end. VCF-style (leftmost placement, unchanged base first): chr14-95131535-ATCTC-A. GRCh37 (hg19) VCF-style: chr14-95597872-ATCTC-A.
Other names: c.408_411delGAGA (NM_177438.2); c.408_411del, p.Glu136fs (NM_001195573.1, NM_001271282.3, NM_001291628.2 and 14 more transcripts); c.405_406AG[1], p.Glu136Aspfs (NM_001395681.1, NM_177438.2); c.126_129del, p.Glu42fs (NM_001395686.1); c.-53GA[1] (NM_001395691.1); c.-1163GA[1] (NM_001395697.1); c.33+976_33+979del (NM_001395690.1, NM_001395687.1, NM_001395689.1 and 3 more transcripts); short protein forms E136fs, E42fs.
Identifiers: ClinVar variation 2099361 (VCV002099361.6), dbSNP rs2140278766, ClinGen allele CA2580613745.
Genomic context (GRCh38, chr14:95,131,535, plus strand): 5'-GATTTATAAAGTGAAATTTCTCTACAAGTCTTACCTGGTGCTTAGTAAACTCTTGGTTCC[ATCTC>A]TCTTTTGTCCAAGATGCATTTACTTCTAGGTTTGAGTATTCCCCAACCTTGAGATCTGAA-3'

ClinVar aggregate classification (germline): Pathogenic. Review status: criteria provided, multiple submitters, no conflicts (2 of 4 stars). 2 submissions from 2 submitters: Pathogenic (2). Last evaluated 2023-07-25.

Conditions:
DICER1-related tumor predisposition. Also called: DICER1 syndrome; DICER1-related pleuropulmonary blastoma cancer predisposition syndrome. Identifiers: Orphanet 284343, MedGen C3839822, MONDO:0100216.
Hereditary cancer-predisposing syndrome. Also called: Hereditary Cancer Syndrome; Tumor predisposition; Neoplastic Syndromes, Hereditary; Hereditary neoplastic syndrome. Identifiers: Orphanet 140162, MedGen C0027672, MeSH D009386, MONDO:0015356.

Submissions (2):

Ambry Genetics
Classification: Pathogenic for Hereditary cancer-predisposing syndrome. Last evaluated: 2023-07-25. Review status: criteria provided, single submitter. Criteria: Ambry Variant Classification Scheme 2023. Collection method: clinical testing. Allele origin: germline.
Comment: The c.408_411delGAGA variant, located in coding exon 3 of the DICER1 gene, results from a deletion of 4 nucleotides at nucleotide positions 408 to 411, causing a translational frameshift with a predicted alternate stop codon (p.E136Dfs*14). This variant is considered to be rare based on population cohorts in the Genome Aggregation Database (gnomAD). This alteration is expected to result in loss of function by premature protein truncation or nonsense-mediated mRNA decay. As such, this alteration is interpreted as a disease-causing mutation.

Labcorp Genetics (formerly Invitae), Labcorp
Classification: Pathogenic for DICER1-related tumor predisposition. Last evaluated: 2023-02-02. Review status: criteria provided, single submitter. Criteria: Invitae Variant Classification Sherloc (09022015). Collection method: clinical testing. Allele origin: germline.
Comment: This sequence change creates a premature translational stop signal (p.Glu136Aspfs*14) in the DICER1 gene. It is expected to result in an absent or disrupted protein product. Loss-of-function variants in DICER1 are known to be pathogenic (PMID: 19556464, 21266384). This variant is not present in population databases (gnomAD no frequency). This variant has not been reported in the literature in individuals affected with DICER1-related conditions. For these reasons, this variant has been classified as Pathogenic.

Literature cited by the submitters: PubMed 19556464 (cited by Labcorp Genetics (formerly Invitae), Labcorp); PubMed 21266384 (cited by Labcorp Genetics (formerly Invitae), Labcorp).